The following is an entry in ClinVar:

ClinVar aggregate classification (germline): Uncertain significance (1 of 4 stars; one submission).

Conditions:
Fucosidosis. Also called: ALPHA-L-FUCOSIDASE DEFICIENCY. Identifiers: Orphanet 349, MedGen C0016788, MONDO:0009254, OMIM 230000.

Allele frequency attached by ClinVar (database versions not stated): gnomAD exomes below 0.00001; gnomAD 0.00001; TOPMed 0.00001.
gnomAD v4.1: 2 of 1,547,208 alleles (0.00013%); highest among the groups gnomAD compares: Non-Finnish European, 0.00017%; no homozygotes.

Submission:

Labcorp Genetics (formerly Invitae), Labcorp
Classification: Uncertain significance for Fucosidosis. Last evaluated: 2022-10-25. Review status: criteria provided, single submitter. Criteria: Invitae Variant Classification Sherloc (09022015). Collection method: clinical testing. Allele origin: germline.
Comment: This sequence change replaces lysine, which is basic and polar, with glutamic acid, which is acidic and polar, at codon 130 of the FUCA1 protein (p.Lys130Glu). This variant is not present in population databases (gnomAD no frequency). This variant has not been reported in the literature in individuals affected with FUCA1-related conditions. ClinVar contains an entry for this variant (Variation ID: 1476537). Algorithms developed to predict the effect of missense changes on protein structure and function are either unavailable or do not agree on the potential impact of this missense change (SIFT: "Deleterious"; PolyPhen-2: "Possibly Damaging"; Align-GVGD: "Class C0"). In summary, the available evidence is currently insufficient to determine the role of this variant in disease. Therefore, it has been classified as a Variant of Uncertain Significance.

NM_000147.5(FUCA1):c.388A>G (p.Lys130Glu)

Genes: FUCA1 (alpha-L-fucosidase 1; minus strand), LOC129929685 (ATAC-STARR-seq lymphoblastoid silent region 427; plus strand). Cytogenetic location: 1p36.11.
Variant type: single nucleotide variant.
Coding change: c.388A>G on transcript NM_000147.5 (MANE Select); coding-DNA position 388, A replaced by G.
Protein change: p.Lys130Glu; replaces lysine 130 with glutamic acid.
Molecular consequence: missense variant.
Genome position (GRCh38, 1-based): chr1:23,867,899, T>C on the plus strand (A>G on the coding strand, the complement: FUCA1 is on the minus strand). VCF-style: chr1-23867899-T-C. GRCh37 (hg19) VCF-style: chr1-24194389-T-C.
Other names: short protein forms K130E.
Identifiers: ClinVar variation 1476537 (VCV001476537.5), dbSNP rs980153372, ClinGen allele CA19283228.